The following is an entry in ClinVar:

NM_182760.4(SUMF1):c.797C>T (p.Pro266Leu)

Gene: SUMF1 (sulfatase modifying factor 1; minus strand). Cytogenetic location: 3p26.1.
Variant type: single nucleotide variant.
Coding change: c.797C>T on transcript NM_182760.4 (MANE Select); coding-DNA position 797, C replaced by T.
Protein change: p.Pro266Leu; replaces proline 266 with leucine.
Molecular consequence: missense variant.
Genome position (GRCh38, 1-based): chr3:4,417,171, G>A on the plus strand (C>T on the coding strand, the complement: SUMF1 is on the minus strand). VCF-style: chr3-4417171-G-A. GRCh37 (hg19) VCF-style: chr3-4458855-G-A.
Other names: c.722C>T, p.Pro241Leu (NM_001164674.2); c.797C>T, p.Pro266Leu (NM_001164675.2); short protein forms P241L, P266L.
Identifiers: ClinVar variation 1191749 (VCV001191749.11), dbSNP rs763243827, ClinGen allele CA2230458.

ClinVar aggregate classification (germline): Uncertain significance. Review status: criteria provided, multiple submitters, no conflicts (2 of 4 stars). 5 submissions from 5 submitters: Uncertain significance (4). 1 of the submissions does not count toward it. Last evaluated 2026-02-27.

Conditions:
Multiple sulfatase deficiency (MSD). Also called: Sulfatidosis, Juvenile, Austin Type; Mucosulfatidosis; Multiple Sulfatase Deficiency Disease. Identifiers: Orphanet 585, MedGen C0268263, MONDO:0010088, OMIM 272200.

Allele frequency attached by ClinVar (database versions not stated): gnomAD 0.00010 and 0.00011; gnomAD exomes 0.00012 and 0.00025; ExAC 0.00025.
gnomAD v4.1: 190 of 1,613,770 alleles (0.012%); highest among the groups gnomAD compares: Non-Finnish European, 0.0039%; no homozygotes.

Submissions (5):

Women's Health and Genetics/Laboratory Corporation of America, LabCorp
Classification: Uncertain significance. Last evaluated: 2026-02-27. Review status: criteria provided, single submitter. Criteria: LabCorp Variant Classification Summary - May 2015. Collection method: clinical testing. Allele origin: germline.
Comment: Variant summary: SUMF1 c.797C>T (p.Pro266Leu) results in a non-conservative amino acid change in the encoded protein sequence. This variant is frequently observed in cis with c.776A>T (p.Asn259Ile). Algorithms developed to predict the effect of missense changes on protein structure and function all suggest that this variant is likely to be disruptive. The variant allele was found at a frequency of 0.00025 in 251178 control chromosomes. This frequency is not significantly higher than estimated for disease-causing variants in SUMF1, allowing no conclusion about variant significance. c.797C>T has been observed in individuals affected with Multiple sulfatase deficiency with (e.g. Adang_2020, Ghosh_2017), in cis with c.776A>T (p.Asn259Ile). These report(s) do not provide unequivocal conclusions about association of the variant with Multiple sulfatase deficiency. At least one publication reports experimental evidence evaluating an impact on protein function. These results showed no damaging effect of this variant (Cosma_2004, Adang_2020). The following publications have been ascertained in the context of this evaluation (PMID: 32749716, 15146462, 28468868). ClinVar contains an entry for this variant (Variation ID: 1191749). Based on the evidence outlined above, the variant was classified as uncertain significance.

Blueprint Genetics
Classification: Uncertain significance. Last evaluated: 2023-10-30. Review status: criteria provided, single submitter. Criteria: ACMG Guidelines, 2015. Collection method: clinical testing. Allele origin: germline.

Labcorp Genetics (formerly Invitae), Labcorp
Classification: Uncertain significance for Multiple sulfatase deficiency. Last evaluated: 2022-07-26. Review status: criteria provided, single submitter. Criteria: Invitae Variant Classification Sherloc (09022015). Collection method: clinical testing. Allele origin: germline.
Comment: This sequence change replaces proline, which is neutral and non-polar, with leucine, which is neutral and non-polar, at codon 266 of the SUMF1 protein (p.Pro266Leu). This variant is present in population databases (rs763243827, gnomAD 0.2%). This missense change has been observed in individual(s) with multiple sulfatase deficiency (PMID: 15146462, 28468868). ClinVar contains an entry for this variant (Variation ID: 1191749). Algorithms developed to predict the effect of missense changes on protein structure and function (SIFT, PolyPhen-2, Align-GVGD) all suggest that this variant is likely to be disruptive. Experimental studies have shown that this missense change affects SUMF1 function (PMID: 15146462). In summary, the available evidence is currently insufficient to determine the role of this variant in disease. Therefore, it has been classified as a Variant of Uncertain Significance.

GeneDx
Classification: Uncertain significance. Last evaluated: 2020-05-14. Review status: criteria provided, single submitter. Criteria: GeneDx Variant Classification Process June 2021. Collection method: clinical testing. Allele origin: germline. Affected: yes.
Comment: Reported previously in multiple sulfatase deficiency, in an affected individual who had the N259I variant in cis with P266L and in trans with a pathogenic variant (Ghosh et al., 2017); Reported with p.N259I, phase unknown, in a patient with multiple sulfatase deficiency where a functional study showed sulfatase activity approximately 80% of wild type (Cosma et al., 2004); In silico analysis supports that this missense variant has a deleterious effect on protein structure/function; This variant is associated with the following publications: (PMID: 28468868, 15146462, 29048999)

Natera, Inc.
Classification: Uncertain significance for Multiple sulfatase deficiency. Last evaluated: 2021-02-26. Review status: no assertion criteria provided. Collection method: clinical testing. Allele origin: germline. Not counted in ClinVar's aggregate classification.

Literature cited by the submitters: PubMed 28468868 (cited by Women's Health and Genetics/Laboratory Corporation of America, LabCorp and Labcorp Genetics (formerly Invitae), Labcorp); PubMed 15146462 (cited by Women's Health and Genetics/Laboratory Corporation of America, LabCorp and Labcorp Genetics (formerly Invitae), Labcorp); PubMed 32749716 (cited by Women's Health and Genetics/Laboratory Corporation of America, LabCorp).